The following is an entry in ClinVar:

NM_024741.3(ZNF408):c.1855C>T (p.Pro619Ser)

Gene: ZNF408 (zinc finger protein 408; plus strand). Cytogenetic location: 11p11.2.
Variant type: single nucleotide variant.
Coding change: c.1855C>T on transcript NM_024741.3 (MANE Select); coding-DNA position 1855, C replaced by T.
Protein change: p.Pro619Ser; replaces proline 619 with serine.
Molecular consequence: missense variant.
Genome position (GRCh38, 1-based): chr11:46,705,555, C>T. VCF-style: chr11-46705555-C-T. GRCh37 (hg19) VCF-style: chr11-46727105-C-T.
Other names: c.1831C>T, p.Pro611Ser (NM_001184751.2); short protein forms P619S, P611S.
Identifiers: ClinVar variation 1972203 (VCV001972203.5), dbSNP rs756588161, ClinGen allele CA5966656.

ClinVar aggregate classification (germline): Uncertain significance (1 of 4 stars; one submission).

Allele frequency attached by ClinVar (database versions not stated): gnomAD exomes below 0.00001; TOPMed below 0.00001; ExAC 0.00001.

Submission:

Labcorp Genetics (formerly Invitae), Labcorp
Classification: Uncertain significance. Last evaluated: 2025-08-04. Review status: criteria provided, single submitter. Criteria: Invitae Variant Classification Sherloc (09022015). Collection method: clinical testing. Allele origin: germline.
Comment: This sequence change replaces proline, which is neutral and non-polar, with serine, which is neutral and polar, at codon 619 of the ZNF408 protein (p.Pro619Ser). This variant is present in population databases (rs756588161, gnomAD 0.0009%). This variant has not been reported in the literature in individuals affected with ZNF408-related conditions. ClinVar contains an entry for this variant (Variation ID: 1972203). An algorithm developed to predict the effect of missense changes on protein structure and function (PolyPhen-2) suggests that this variant is likely to be disruptive. In summary, the available evidence is currently insufficient to determine the role of this variant in disease. Therefore, it has been classified as a Variant of Uncertain Significance.